The following is an entry in ClinVar:

ClinVar aggregate classification (germline): Uncertain significance (1 of 4 stars; one submission).

Conditions:
Cardiovascular phenotype. Identifiers: MedGen CN230736.
Hereditary cancer-predisposing syndrome. Also called: Neoplastic Syndromes, Hereditary; Tumor predisposition; Hereditary Cancer Syndrome; Hereditary neoplastic syndrome. Identifiers: Orphanet 140162, MedGen C0027672, MeSH D009386, MONDO:0015356.

Submission:

Ambry Genetics
Classification: Uncertain significance for Cardiovascular phenotype; Hereditary cancer-predisposing syndrome. Last evaluated: 2025-11-24. Review status: criteria provided, single submitter. Criteria: Ambry Variant Classification Scheme 2023. Collection method: clinical testing. Allele origin: germline.
Comment: The p.S22C variant (also known as c.65C>G), located in coding exon 1 of the LZTR1 gene, results from a C to G substitution at nucleotide position 65. The serine at codon 22 is replaced by cysteine, an amino acid with dissimilar properties. This amino acid position is conserved. In addition, this alteration is predicted to be tolerated by in silico analysis. Based on the available evidence, the clinical significance of this variant remains unclear.

NM_006767.4(LZTR1):c.65C>G (p.Ser22Cys)

Genes: LZTR1 (leucine zipper like post translational regulator 1; plus strand), LOC130067016 (ATAC-STARR-seq lymphoblastoid silent region 13504; plus strand). Cytogenetic location: 22q11.21.
Variant type: single nucleotide variant.
Coding change: c.65C>G on transcript NM_006767.4 (MANE Select); coding-DNA position 65, C replaced by G.
Protein change: p.Ser22Cys; replaces serine 22 with cysteine.
Molecular consequence: missense variant.
Genome position (GRCh38, 1-based): chr22:20,982,436, C>G. VCF-style: chr22-20982436-C-G. GRCh37 (hg19) VCF-style: chr22-21336725-C-G.
Other names: short protein forms S22C.
Identifiers: ClinVar variation 4615596 (VCV004615596.1).
Genomic context (GRCh38, chr22:20,982,436, plus strand): 5'-CTGGACCGGGCAGCACGGGGGGGCAGATCGGGGCTGCGGCCCTGGCAGGCGGCGCGCGGT[C>G]CAAGGTAGCCCCGAGCGTGGACTTCGACCATAGCTGCTCGGACAGTGTCGAGTACCTGAC-3'
Protein context (NP_006758.2, residues 12-32): GAAALAGGAR[Ser22Cys]KVAPSVDFDH